The following is an entry in ClinVar:

ClinVar aggregate classification (germline): Uncertain significance (1 of 4 stars; one submission).

Conditions:
De Lange syndrome (CDLS). Also called: Cornelia de Lange syndrome; CDL. Identifiers: Orphanet 199, MedGen C0270972, MONDO:0016033.

Submission:

Rady Children's Institute for Genomic Medicine, Rady Children's Hospital San Diego
Classification: Uncertain significance for Cornelia de Lange. Last evaluated: 2020-01-20. Review status: criteria provided, single submitter. Criteria: ACMG Guidelines, 2015. Collection method: clinical testing. Allele origin: germline. Affected: yes.
Comment: This variant has not been previously reported or functionally characterized in the literature to our knowledge. It is absent from the ExAC and gnomAD population databases and thus is presumed to be rare. The c.1164C>A (p.His388Gln) variant is predicted by multiple in silico tools to have a deleterious effect on protein function. Analysis of the parental samples was negative for the variant, indicating this variant likely occurred as a de novo event. Based on the available evidence, the c.1164C>A (p.His388Gln) variant is classified as Variant of Uncertain Significance.

NM_001379291.1(BRD4):c.1164C>A (p.His388Gln)

Gene: BRD4 (bromodomain containing 4; minus strand). Cytogenetic location: 19p13.12.
Variant type: single nucleotide variant.
Coding change: c.1164C>A on transcript NM_001379291.1 (MANE Select); coding-DNA position 1164, C replaced by A.
Protein change: p.His388Gln; replaces histidine 388 with glutamine.
Molecular consequence: missense variant.
Genome position (GRCh38, 1-based): chr19:15,264,452, G>T on the plus strand (C>A on the coding strand, the complement: BRD4 is on the minus strand). VCF-style: chr19-15264452-G-T. GRCh37 (hg19) VCF-style: chr19-15375263-G-T.
Other names: c.1164C>A, p.His388Gln (NM_001330384.2, NM_001379292.1, NM_014299.3 and 1 more transcripts); short protein forms H388Q.
Identifiers: ClinVar variation 981168 (VCV000981168.3), dbSNP rs200443528, ClinGen allele CA404484134.